The following is an entry in ClinVar:

ClinVar aggregate classification (germline): Uncertain significance (1 of 4 stars; one submission).

Conditions:
Ullrich congenital muscular dystrophy 2 (UCMD2). Identifiers: Orphanet 75840, MedGen C4225314, MONDO:0014654, OMIM 616470.
Bethlem myopathy 2 (BTHLM2). Identifiers: Orphanet 536516, Orphanet 610, MedGen C4225313, MONDO:0034022, OMIM 616471.

Submission:

Labcorp Genetics (formerly Invitae), Labcorp
Classification: Uncertain significance for Bethlem myopathy 2; Ullrich congenital muscular dystrophy 2. Last evaluated: 2024-04-09. Review status: criteria provided, single submitter. Criteria: Invitae Variant Classification Sherloc (09022015). Collection method: clinical testing. Allele origin: germline.
Comment: This sequence change replaces arginine, which is basic and polar, with glycine, which is neutral and non-polar, at codon 933 of the COL12A1 protein (p.Arg933Gly). This variant is not present in population databases (gnomAD no frequency). This variant has not been reported in the literature in individuals affected with COL12A1-related conditions. ClinVar contains an entry for this variant (Variation ID: 2193515). Advanced modeling of protein sequence and biophysical properties (such as structural, functional, and spatial information, amino acid conservation, physicochemical variation, residue mobility, and thermodynamic stability) performed at Invitae indicates that this missense variant is not expected to disrupt COL12A1 protein function with a negative predictive value of 80%. In summary, the available evidence is currently insufficient to determine the role of this variant in disease. Therefore, it has been classified as a Variant of Uncertain Significance.

NM_004370.6(COL12A1):c.2797C>G (p.Arg933Gly)

Gene: COL12A1 (collagen type XII alpha 1 chain; minus strand). Cytogenetic location: 6q13.
Variant type: single nucleotide variant.
Coding change: c.2797C>G on transcript NM_004370.6 (MANE Select); coding-DNA position 2797, C replaced by G.
Protein change: p.Arg933Gly; replaces arginine 933 with glycine.
Molecular consequence: missense variant. On other transcripts: intron variant (1).
Genome position (GRCh38, 1-based): chr6:75,165,693, G>C on the plus strand (C>G on the coding strand, the complement: COL12A1 is on the minus strand). VCF-style: chr6-75165693-G-C. GRCh37 (hg19) VCF-style: chr6-75875409-G-C.
Other names: c.74-13211C>G (NM_080645.3); short protein forms R933G.
Identifiers: ClinVar variation 2193515 (VCV002193515.4), dbSNP rs377223474, ClinGen allele CA364758439.